The following is an entry in ClinVar:

NM_001009925.2(TMEM230):c.169G>A (p.Ala57Thr)

Gene: TMEM230 (transmembrane protein 230; minus strand). Cytogenetic location: 20p12.3.
Variant type: single nucleotide variant.
Coding change: c.169G>A on transcript NM_001009925.2 (MANE Select); coding-DNA position 169, G replaced by A.
Protein change: p.Ala57Thr; replaces alanine 57 with threonine.
Molecular consequence: missense variant.
Genome position (GRCh38, 1-based): chr20:5,106,241, C>T on the plus strand (G>A on the coding strand, the complement: TMEM230 is on the minus strand). VCF-style: chr20-5106241-C-T. GRCh37 (hg19) VCF-style: chr20-5086887-C-T.
Other names: NM_001009923.1:c.358G>A; c.169G>A, p.Ala57Thr (NM_001009924.2, NM_001330984.2, NM_001330985.2 and 4 more transcripts); short protein forms A57T.
Identifiers: ClinVar variation 1399798 (VCV001399798.9), dbSNP rs780164928, ClinGen allele CA9753410.

ClinVar aggregate classification (germline): Conflicting classifications of pathogenicity. Review status: criteria provided, conflicting classifications (1 of 4 stars). 2 submissions from 2 submitters: Uncertain significance (1); Likely benign (1). Last evaluated 2025-03-06.

Allele frequency attached by ClinVar (database versions not stated): ExAC 0.00002; gnomAD 0.00003 and 0.00004; gnomAD exomes 0.00003; TOPMed 0.00003.
gnomAD v4.1: 16 of 1,613,770 alleles (0.00099%); highest among the groups gnomAD compares: East Asian, 0.011%; no homozygotes.

Submissions (2):

Ambry Genetics
Classification: Likely benign. Last evaluated: 2025-03-06. Review status: criteria provided, single submitter. Criteria: Ambry Variant Classification Scheme 2023. Collection method: clinical testing. Allele origin: germline.

Labcorp Genetics (formerly Invitae), Labcorp
Classification: Uncertain significance. Last evaluated: 2021-06-21. Review status: criteria provided, single submitter. Criteria: Invitae Variant Classification Sherloc (09022015). Collection method: clinical testing. Allele origin: germline.
Comment: This variant is present in population databases (rs780164928, ExAC 0.03%). In summary, the available evidence is currently insufficient to determine the role of this variant in disease. Therefore, it has been classified as a Variant of Uncertain Significance. Algorithms developed to predict the effect of missense changes on protein structure and function output the following: SIFT: "Tolerated"; PolyPhen-2: "Benign"; Align-GVGD: "Class C0". The threonine amino acid residue is found in multiple mammalian species, suggesting that this missense change does not adversely affect protein function. These predictions have not been confirmed by published functional studies and their clinical significance is uncertain. This variant has not been reported in the literature in individuals with TMEM230-related conditions. This sequence change replaces alanine with threonine at codon 120 of the TMEM230 protein (p.Ala120Thr). The alanine residue is moderately conserved and there is a small physicochemical difference between alanine and threonine.